The following is an entry in ClinVar:

ClinVar aggregate classification (germline): Benign/Likely benign. Review status: criteria provided, multiple submitters, no conflicts (2 of 4 stars). 4 submissions from 4 submitters: Benign (1); Likely benign (2). 1 of the submissions does not count toward it. Last evaluated 2026-08-22.

Conditions:
Hereditary cancer-predisposing syndrome. Also called: Tumor predisposition; Hereditary neoplastic syndrome; Neoplastic Syndromes, Hereditary; Hereditary Cancer Syndrome. Identifiers: Orphanet 140162, MedGen C0027672, MeSH D009386, MONDO:0015356.
Hereditary leiomyomatosis and renal cell cancer. Also called: Multiple cutaneous leiomyomas; FH tumor predisposition syndrome; MULTIPLE CUTANEOUS AND UTERINE LEIOMYOMATA 1, WITH OR WITHOUT RENAL CELL CARCINOMA; LEIOMYOMA, MULTIPLE CUTANEOUS; Familial leiomyomatosis; Reed syndrome. Identifiers: Orphanet 523, MedGen C1708350, MONDO:0007888, OMIM 150800, HP:0007437. Disease mechanism: loss of function.
Fumarase deficiency (FMRD). Also called: Fumaric aciduria; Fumarate Hydratase Deficiency. Identifiers: Orphanet 24, MedGen C0342770, MONDO:0011730, OMIM 606812.

Submissions (4):

Ambry Genetics
Classification: Likely benign for Hereditary cancer-predisposing syndrome. Last evaluated: 2026-08-22. Review status: criteria provided, single submitter. Criteria: Ambry Variant Classification Scheme 2023. Collection method: clinical testing. Allele origin: germline.

Myriad Genetics, Inc.
Classification: Benign for Hereditary leiomyomatosis and renal cell cancer. Last evaluated: 2024-10-21. Review status: criteria provided, single submitter. Criteria: Myriad Autosomal Dominant, Autosomal Recessive and X-Linked Classification Criteria (2023). Collection method: clinical testing. Allele origin: unknown.
Comment: This variant is considered benign. This variant is a silent/synonymous amino acid change and it is not expected to impact splicing.

Labcorp Genetics (formerly Invitae), Labcorp
Classification: Likely benign. Last evaluated: 2023-11-15. Review status: criteria provided, single submitter. Criteria: Invitae Variant Classification Sherloc (09022015). Collection method: clinical testing. Allele origin: germline.

Natera, Inc.
Classification: Uncertain significance for Fumarase deficiency. Last evaluated: 2020-06-11. Review status: no assertion criteria provided. Collection method: clinical testing. Allele origin: germline. Not counted in ClinVar's aggregate classification.

NM_000143.4(FH):c.1194C>T (p.Gly398=)

Gene: FH (fumarate hydratase; minus strand). Cytogenetic location: 1q43.
Variant type: single nucleotide variant.
Coding change: c.1194C>T on transcript NM_000143.4 (MANE Select); coding-DNA position 1194, C replaced by T.
Protein change: p.Gly398=; no amino-acid change (glycine 398 retained).
Molecular consequence: synonymous variant.
Genome position (GRCh38, 1-based): chr1:241,502,485, G>A on the plus strand (C>T on the coding strand, the complement: FH is on the minus strand). VCF-style: chr1-241502485-G-A. GRCh37 (hg19) VCF-style: chr1-241665785-G-A.
Identifiers: ClinVar variation 839395 (VCV000839395.13), dbSNP rs1659805814, ClinGen allele CA424075668.